The following is an entry in ClinVar:

ClinVar aggregate classification (germline): Uncertain significance (1 of 4 stars; one submission).

Conditions:
Joubert syndrome 21 (JBTS21). Identifiers: MedGen C3810212, MONDO:0014288, OMIM 615636.

Allele frequency attached by ClinVar (database versions not stated): gnomAD 0.00001.
gnomAD v4.1: 1 of 1,598,098 alleles (0.000063%); highest among the groups gnomAD compares: Admixed American, 0.0017%; no homozygotes.

Submission:

Labcorp Genetics (formerly Invitae), Labcorp
Classification: Uncertain significance for Joubert syndrome 21. Last evaluated: 2022-02-03. Review status: criteria provided, single submitter. Criteria: Invitae Variant Classification Sherloc (09022015). Collection method: clinical testing. Allele origin: germline.
Comment: In summary, the available evidence is currently insufficient to determine the role of this variant in disease. Therefore, it has been classified as a Variant of Uncertain Significance. Algorithms developed to predict the effect of missense changes on protein structure and function are either unavailable or do not agree on the potential impact of this missense change (SIFT: "Tolerated"; PolyPhen-2: "Possibly Damaging"; Align-GVGD: "Class C0"). This variant has not been reported in the literature in individuals affected with CSPP1-related conditions. This variant is not present in population databases (gnomAD no frequency). This sequence change replaces lysine, which is basic and polar, with arginine, which is basic and polar, at codon 638 of the CSPP1 protein (p.Lys638Arg).

NM_001382391.1(CSPP1):c.1928A>G (p.Lys643Arg)

Gene: CSPP1 (centrosome and spindle pole associated protein 1; plus strand). Cytogenetic location: 8q13.2.
Variant type: single nucleotide variant.
Coding change: c.1928A>G on transcript NM_001382391.1 (MANE Select); coding-DNA position 1928, A replaced by G.
Protein change: p.Lys643Arg; replaces lysine 643 with arginine.
Molecular consequence: missense variant.
Genome position (GRCh38, 1-based): chr8:67,137,556, A>G. VCF-style: chr8-67137556-A-G. GRCh37 (hg19) VCF-style: chr8-68049791-A-G.
Other names: c.1031A>G, p.Lys344Arg (NM_001291339.2); c.1847A>G, p.Lys616Arg (NM_001363131.2); c.1886A>G, p.Lys629Arg (NM_001363132.2); c.1805A>G, p.Lys602Arg (NM_001363133.2); c.1994A>G, p.Lys665Arg (NM_001364869.1); c.1814A>G, p.Lys605Arg (NM_001364870.1); c.1913A>G, p.Lys638Arg (NM_024790.7); short protein forms K616R, K629R, K665R, K344R, K638R, K643R, K602R, K605R.
Identifiers: ClinVar variation 1426750 (VCV001426750.8), dbSNP rs1822600510, ClinGen allele CA371205829.